The following is an entry in ClinVar:

NM_024675.4(PALB2):c.22C>T (p.Pro8Ser)

Gene: PALB2 (partner and localizer of BRCA2; minus strand). Cytogenetic location: 16p12.2.
Variant type: single nucleotide variant.
Coding change: c.22C>T on transcript NM_024675.4 (MANE Select); coding-DNA position 22, C replaced by T.
Protein change: p.Pro8Ser; replaces proline 8 with serine.
Molecular consequence: missense variant.
Genome position (GRCh38, 1-based): chr16:23,641,136, G>A on the plus strand (C>T on the coding strand, the complement: PALB2 is on the minus strand). VCF-style: chr16-23641136-G-A. GRCh37 (hg19) VCF-style: chr16-23652457-G-A.
Other names: short protein forms P8S.
Identifiers: ClinVar variation 480289 (VCV000480289.15), dbSNP rs876660586, ClinGen allele CA395141151.

ClinVar aggregate classification (germline): Conflicting classifications of pathogenicity. Review status: criteria provided, conflicting classifications (1 of 4 stars). 2 submissions from 2 submitters: Uncertain significance (1); Likely benign (1). Last evaluated 2025-06-05.

Conditions:
Hereditary cancer-predisposing syndrome. Also called: Hereditary Cancer Syndrome; Neoplastic Syndromes, Hereditary; Tumor predisposition; Hereditary neoplastic syndrome. Identifiers: Orphanet 140162, MedGen C0027672, MeSH D009386, MONDO:0015356.
Familial cancer of breast. Also called: BREAST CANCER, FAMILIAL; Hereditary breast cancer; hereditary breast carcinoma. Identifiers: Orphanet 227535, MedGen C0346153, MONDO:0016419, OMIM 114480. Disease mechanism: loss of function.

Submissions (2):

Ambry Genetics
Classification: Likely benign for Hereditary cancer-predisposing syndrome. Last evaluated: 2025-06-05. Review status: criteria provided, single submitter. Criteria: Ambry Variant Classification Scheme 2023. Collection method: clinical testing. Allele origin: germline.

Labcorp Genetics (formerly Invitae), Labcorp
Classification: Uncertain significance for Familial cancer of breast. Last evaluated: 2024-02-11. Review status: criteria provided, single submitter. Criteria: Invitae Variant Classification Sherloc (09022015). Collection method: clinical testing. Allele origin: germline.
Comment: This sequence change replaces proline, which is neutral and non-polar, with serine, which is neutral and polar, at codon 8 of the PALB2 protein (p.Pro8Ser). This variant is not present in population databases (gnomAD no frequency). This variant has not been reported in the literature in individuals affected with PALB2-related conditions. ClinVar contains an entry for this variant (Variation ID: 480289). Algorithms developed to predict the effect of missense changes on protein structure and function output the following: SIFT: "Not Available"; PolyPhen-2: "Benign"; Align-GVGD: "Not Available". The serine amino acid residue is found in multiple mammalian species, which suggests that this missense change does not adversely affect protein function. In summary, the available evidence is currently insufficient to determine the role of this variant in disease. Therefore, it has been classified as a Variant of Uncertain Significance.